The following is an entry in ClinVar:

ClinVar aggregate classification (germline): Uncertain significance (1 of 4 stars; one submission).

gnomAD v4.1: 15 of 1,614,112 alleles (0.00093%); highest among the groups gnomAD compares: East Asian, 0.031%; no homozygotes.

Submission:

Labcorp Genetics (formerly Invitae), Labcorp
Classification: Uncertain significance. Last evaluated: 2022-07-23. Review status: criteria provided, single submitter. Criteria: Invitae Variant Classification Sherloc (09022015). Collection method: clinical testing. Allele origin: germline.
Comment: This sequence change replaces isoleucine, which is neutral and non-polar, with leucine, which is neutral and non-polar, at codon 1832 of the CCDC88A protein (p.Ile1832Leu). This variant is present in population databases (no rsID available, gnomAD 0.01%). This variant has not been reported in the literature in individuals affected with CCDC88A-related conditions. Algorithms developed to predict the effect of missense changes on protein structure and function (SIFT, PolyPhen-2, Align-GVGD) all suggest that this variant is likely to be tolerated. In summary, the available evidence is currently insufficient to determine the role of this variant in disease. Therefore, it has been classified as a Variant of Uncertain Significance.

NM_001365480.1(CCDC88A):c.5497A>C (p.Ile1833Leu)

Gene: CCDC88A (coiled-coil domain containing 88A; minus strand). Cytogenetic location: 2p16.1.
Variant type: single nucleotide variant.
Coding change: c.5497A>C on transcript NM_001365480.1 (MANE Select); coding-DNA position 5497, A replaced by C.
Protein change: p.Ile1833Leu; replaces isoleucine 1833 with leucine.
Molecular consequence: missense variant.
Genome position (GRCh38, 1-based): chr2:55,295,651, T>G on the plus strand (A>C on the coding strand, the complement: CCDC88A is on the minus strand). VCF-style: chr2-55295651-T-G. GRCh37 (hg19) VCF-style: chr2-55522787-T-G.
Other names: c.5494A>C, p.Ile1832Leu (NM_001135597.2); c.5272A>C, p.Ile1758Leu (NM_001254943.2); c.5413A>C, p.Ile1805Leu (NM_018084.5); short protein forms I1758L, I1805L, I1833L, I1832L.
Identifiers: ClinVar variation 1959418 (VCV001959418.2), dbSNP rs367582957, ClinGen allele CA346911364.